The following is an entry in ClinVar:

NM_139321.3(ATRN):c.1357A>T (p.Thr453Ser)

Gene: ATRN (attractin; plus strand). Cytogenetic location: 20p13.
Variant type: single nucleotide variant.
Coding change: c.1357A>T on transcript NM_139321.3 (MANE Select); coding-DNA position 1357, A replaced by T.
Protein change: p.Thr453Ser; replaces threonine 453 with serine.
Molecular consequence: missense variant.
Genome position (GRCh38, 1-based): chr20:3,560,815, A>T. VCF-style: chr20-3560815-A-T. GRCh37 (hg19) VCF-style: chr20-3541462-A-T.
Other names: c.1009A>T, p.Thr337Ser (NM_001207047.3); c.1357A>T, p.Thr453Ser (NM_001323332.2, NM_139322.4); short protein forms T337S, T453S.
Identifiers: ClinVar variation 719120 (VCV000719120.11), dbSNP rs147245947, ClinGen allele CA9744031.

ClinVar aggregate classification (germline): Benign. Review status: criteria provided, single submitter (1 of 4 stars). 2 submissions from 2 submitters: Benign (1). 1 of the submissions does not count toward it. Last evaluated 2025-07-29.

Conditions:
ATRN-related disorder. Also called: ATRN-related condition.

Allele frequency attached by ClinVar (database versions not stated): ESP Exome Variant Server 0.00038; gnomAD 0.00044 and 0.00049; TOPMed 0.00052; ExAC 0.00072; gnomAD exomes 0.00075; 1000 Genomes Project 0.00180.
gnomAD v4.1: 451 of 1,614,164 alleles (0.028%); highest among the groups gnomAD compares: East Asian, 0.64%; 5 homozygotes.

Submissions (4):

Labcorp Genetics (formerly Invitae), Labcorp
Classification: Benign. Last evaluated: 2025-07-29. Review status: criteria provided, single submitter. Criteria: Invitae Variant Classification Sherloc (09022015). Collection method: clinical testing. Allele origin: germline.

PreventionGenetics, part of Exact Sciences
Classification: Benign for ATRN-related condition. Last evaluated: 2019-08-28. Review status: no assertion criteria provided. Collection method: clinical testing. Allele origin: germline. Not counted in ClinVar's aggregate classification.
Comment: This variant is classified as benign based on ACMG/AMP sequence variant interpretation guidelines (Richards et al. 2015 PMID: 25741868, with internal and published modifications).

Dr. Peter K. Rogan Lab, Western University
No classification provided (evidence only). Condition: Cervical cancer. Review status: no classification provided. Collection method: in vitro. Allele origin: not applicable. Functional consequence: retained intron. Not counted in ClinVar's aggregate classification.

Dr. Peter K. Rogan Lab, Western University
No classification provided (evidence only). Condition: Gastric cancer. Review status: no classification provided. Collection method: in vitro. Allele origin: not applicable. Functional consequence: retained intron. Not counted in ClinVar's aggregate classification.